The following is an entry in ClinVar:

NM_001278431.2(C1QTNF5):c.220C>T (p.Pro74Ser)

Genes: C1QTNF5 (C1q and TNF related 5; minus strand), MFRP (membrane frizzled-related protein; minus strand). Cytogenetic location: 11q23.3.
Variant type: single nucleotide variant.
Coding change: c.220C>T on transcript NM_001278431.2 (MANE Select); coding-DNA position 220, C replaced by T.
Protein change: p.Pro74Ser; replaces proline 74 with serine.
Molecular consequence: missense variant. On other transcripts: 3 prime UTR variant (1).
Genome position (GRCh38, 1-based): chr11:119,339,843, G>A on the plus strand (C>T on the coding strand, the complement: C1QTNF5 is on the minus strand). VCF-style: chr11-119339843-G-A. GRCh37 (hg19) VCF-style: chr11-119210553-G-A.
Other names: c.220C>T, p.Pro74Ser (NM_015645.5); c.*1116C>T (NM_031433.4); short protein forms P74S.
Identifiers: ClinVar variation 1945958 (VCV001945958.5), dbSNP rs780496823, ClinGen allele CA6319974.

ClinVar aggregate classification (germline): Uncertain significance (1 of 4 stars; one submission).

Allele frequency attached by ClinVar (database versions not stated): gnomAD exomes below 0.00001.
gnomAD v4.1: 1 of 1,490,654 alleles (0.000067%); highest among the groups gnomAD compares: Non-Finnish European, 0.000089%; no homozygotes.

Submission:

Labcorp Genetics (formerly Invitae), Labcorp
Classification: Uncertain significance. Last evaluated: 2022-08-01. Review status: criteria provided, single submitter. Criteria: Invitae Variant Classification Sherloc (09022015). Collection method: clinical testing. Allele origin: germline.
Comment: This sequence change replaces proline, which is neutral and non-polar, with serine, which is neutral and polar, at codon 74 of the C1QTNF5 protein (p.Pro74Ser). This variant is not present in population databases (gnomAD no frequency). This variant has not been reported in the literature in individuals affected with C1QTNF5-related conditions. Algorithms developed to predict the effect of missense changes on protein structure and function are either unavailable or do not agree on the potential impact of this missense change (SIFT: "Tolerated"; PolyPhen-2: "Probably Damaging"; Align-GVGD: "Class C15"). In summary, the available evidence is currently insufficient to determine the role of this variant in disease. Therefore, it has been classified as a Variant of Uncertain Significance.